The following is an entry in ClinVar:

ClinVar aggregate classification (germline): Conflicting classifications of pathogenicity. Review status: criteria provided, conflicting classifications (1 of 4 stars). 3 submissions from 3 submitters: Uncertain significance (1); Benign (1); Likely benign (1). Last evaluated 2025-12-23.

Conditions:
Bloom syndrome (BLM). Also called: Bloom-Torre-Machacek syndrome. Identifiers: Orphanet 125, MedGen C0005859, MONDO:0008876, OMIM 210900.

Allele frequency attached by ClinVar (database versions not stated): ExAC 0.00001; gnomAD exomes 0.00001; gnomAD 0.00002; TOPMed 0.00003.
gnomAD v4.1: 7 of 1,610,338 alleles (0.00043%); highest among the groups gnomAD compares: Admixed American, 0.0083%; no homozygotes.

Submissions (3):

Myriad Genetics, Inc.
Classification: Benign for Bloom syndrome. Last evaluated: 2025-12-23. Review status: criteria provided, single submitter. Criteria: Myriad Autosomal Dominant, Autosomal Recessive and X-Linked Classification Criteria (2023). Collection method: clinical testing. Allele origin: unknown.
Comment: This variant is considered benign. This variant is intronic and is not expected to impact mRNA splicing. Homozygosity for this variant has been confirmed in one or more individuals lacking clinical features consistent with gene-specific recessive disease, indicating that this variant is unlikely to be pathogenic.

Labcorp Genetics (formerly Invitae), Labcorp
Classification: Likely benign for Bloom syndrome. Last evaluated: 2025-12-08. Review status: criteria provided, single submitter. Criteria: Invitae Variant Classification Sherloc (09022015). Collection method: clinical testing. Allele origin: germline.

Quest Diagnostics Nichols Institute San Juan Capistrano
Classification: Uncertain significance. Last evaluated: 2025-04-03. Review status: criteria provided, single submitter. Criteria: Quest Diagnostics criteria. Collection method: clinical testing. Allele origin: unknown.
Comment: The BLM c.3019+7T>C variant has not been reported in individuals with BLM-related conditions in the published literature. The frequency of this variant in the general population (Genome Aggregation Database) is uninformative in the assessment of its pathogenicity. Analysis of this variant using software algorithms for the prediction of the effect of nucleotide changes on BLM mRNA splicing yielded inconclusive findings. Based on the available information, we are unable to determine the clinical significance of this variant.

NM_000057.4(BLM):c.3019+7T>C

Gene: BLM (BLM RecQ like helicase; plus strand). Cytogenetic location: 15q26.1.
Variant type: single nucleotide variant.
Coding change: c.3019+7T>C on transcript NM_000057.4 (MANE Select); 7 bases into the intron after coding-DNA position 3019, T replaced by C.
Molecular consequence: intron variant.
Genome position (GRCh38, 1-based): chr15:90,790,851, T>C. VCF-style: chr15-90790851-T-C. GRCh37 (hg19) VCF-style: chr15-91334081-T-C.
Other names: c.3019+7T>C (NM_001287246.2, NM_001287247.2); c.1894+7T>C (NM_001287248.2).
Identifiers: ClinVar variation 454125 (VCV000454125.15), dbSNP rs761087545, ClinGen allele CA7738910.